The following is an entry in ClinVar:

ClinVar aggregate classification (germline): Pathogenic (1 of 4 stars; one submission).

Conditions:
LAMA2-related muscular dystrophy (LAMA2-RD). Also called: Laminin alpha 2-related dystrophy. Identifiers: MedGen C5679788, MONDO:0100228.

Submission:

Labcorp Genetics (formerly Invitae), Labcorp
Classification: Pathogenic for LAMA2-related muscular dystrophy. Last evaluated: 2022-10-28. Review status: criteria provided, single submitter. Criteria: Invitae Variant Classification Sherloc (09022015). Collection method: clinical testing. Allele origin: germline.
Comment: For these reasons, this variant has been classified as Pathogenic. Algorithms developed to predict the effect of sequence changes on RNA splicing suggest that this variant may disrupt the consensus splice site. ClinVar contains an entry for this variant (Variation ID: 477518). Disruption of this splice site has been observed in individual(s) with clinical features of congenital muscular dystrophy (Invitae). In at least one individual the data is consistent with being in trans (on the opposite chromosome) from a pathogenic variant. This variant is not present in population databases (gnomAD no frequency). This sequence change affects a donor splice site in intron 60 of the LAMA2 gene. It is expected to disrupt RNA splicing. Variants that disrupt the donor or acceptor splice site typically lead to a loss of protein function (PMID: 16199547), and loss-of-function variants in LAMA2 are known to be pathogenic (PMID: 18700894, 32904964).

Literature cited by the submitters: PubMed 16199547; PubMed 18700894; PubMed 32904964.

NM_000426.4(LAMA2):c.8547+1G>T

Gene: LAMA2 (laminin subunit alpha 2; plus strand). Cytogenetic location: 6q22.33.
Variant type: single nucleotide variant.
Coding change: c.8547+1G>T on transcript NM_000426.4 (MANE Select); the canonical splice donor site of the intron after coding-DNA position 8547, G replaced by T.
Molecular consequence: splice donor variant.
Genome position (GRCh38, 1-based): chr6:129,503,281, G>T. VCF-style: chr6-129503281-G-T. GRCh37 (hg19) VCF-style: chr6-129824426-G-T.
Other names: c.8535+1G>T (NM_001079823.2).
Identifiers: ClinVar variation 477518 (VCV000477518.7), dbSNP rs1554315373, ClinGen allele CA365634512.